The following is an entry in ClinVar:

NM_020778.5(ALPK3):c.328T>A (p.Trp110Arg)

Gene: ALPK3 (alpha kinase 3; plus strand). Cytogenetic location: 15q25.3.
Variant type: single nucleotide variant.
Coding change: c.328T>A on transcript NM_020778.5 (MANE Select); coding-DNA position 328, T replaced by A.
Protein change: p.Trp110Arg; replaces tryptophan 110 with arginine.
Molecular consequence: missense variant.
Genome position (GRCh38, 1-based): chr15:84,839,003, T>A. VCF-style: chr15-84839003-T-A. GRCh37 (hg19) VCF-style: chr15-85382234-T-A.
Other names: short protein forms W110R.
Identifiers: ClinVar variation 1766662 (VCV001766662.4), dbSNP rs370566552, ClinGen allele CA393371825.
Genomic context (GRCh38, chr15:84,839,003, plus strand): 5'-GGCCTTGCTGTAACCCAGTCTCCTGCTTCTTTCTCAGGATACCCAGAGCCAGAGGTGACC[T>A]GGTACAAGGATGATACGGAGCTGGACCGCTACTGTGGCTTGCCAAAATATGAGATCACTC-3'
Protein context (NP_065829.4, residues 100-120): VTGYPEPEVT[Trp110Arg]YKDDTELDRY

ClinVar aggregate classification (germline): Uncertain significance. Review status: criteria provided, multiple submitters, no conflicts (2 of 4 stars). 2 submissions from 2 submitters: Uncertain significance (2). Last evaluated 2024-12-04.

Conditions:
Cardiovascular phenotype. Identifiers: MedGen CN230736.

Submissions (2):

Labcorp Genetics (formerly Invitae), Labcorp
Classification: Uncertain significance. Last evaluated: 2024-12-04. Review status: criteria provided, single submitter. Criteria: Invitae Variant Classification Sherloc (09022015). Collection method: clinical testing. Allele origin: germline.
Comment: This sequence change replaces tryptophan, which is neutral and slightly polar, with arginine, which is basic and polar, at codon 312 of the ALPK3 protein (p.Trp312Arg). This variant is not present in population databases (gnomAD no frequency). This variant has not been reported in the literature in individuals affected with ALPK3-related conditions. ClinVar contains an entry for this variant (Variation ID: 1766662). An algorithm developed to predict the effect of missense changes on protein structure and function (PolyPhen-2) suggests that this variant is likely to be disruptive. In summary, the available evidence is currently insufficient to determine the role of this variant in disease. Therefore, it has been classified as a Variant of Uncertain Significance.

Ambry Genetics
Classification: Uncertain significance for Cardiovascular phenotype. Last evaluated: 2022-03-23. Review status: criteria provided, single submitter. Criteria: Ambry Variant Classification Scheme 2023. Collection method: clinical testing. Allele origin: germline.
Comment: The p.W312R variant (also known as c.934T>A), located in coding exon 4 of the ALPK3 gene, results from a T to A substitution at nucleotide position 934. The tryptophan at codon 312 is replaced by arginine, an amino acid with dissimilar properties. This amino acid position is conserved. In addition, this alteration is predicted to be deleterious by in silico analysis. Since supporting evidence is limited at this time, the clinical significance of this alteration remains unclear.